The following is an entry in ClinVar:

ClinVar aggregate classification (germline): Uncertain significance (1 of 4 stars; one submission).

Conditions:
Dilated cardiomyopathy 1HH (CMD1HH). Identifiers: Orphanet 154, MedGen C3151293, MONDO:0013479, OMIM 613881.
Myofibrillar myopathy 6. Identifiers: Orphanet 199340, MedGen C2751831, MONDO:0013061, OMIM 612954.

Allele frequency attached by ClinVar (database versions not stated): gnomAD exomes below 0.00001 and 0.00001; ExAC 0.00001; gnomAD 0.00001; TOPMed 0.00001.
gnomAD v4.1: 4 of 1,613,894 alleles (0.00025%); highest among the groups gnomAD compares: Non-Finnish European, 0.00034%; no homozygotes.

Submission:

Labcorp Genetics (formerly Invitae), Labcorp
Classification: Uncertain significance for Dilated cardiomyopathy 1HH; Myofibrillar myopathy 6. Last evaluated: 2024-09-17. Review status: criteria provided, single submitter. Criteria: Invitae Variant Classification Sherloc (09022015). Collection method: clinical testing. Allele origin: germline.
Comment: This sequence change replaces asparagine, which is neutral and polar, with lysine, which is basic and polar, at codon 541 of the BAG3 protein (p.Asn541Lys). This variant is present in population databases (rs774573497, gnomAD 0.0009%). This variant has not been reported in the literature in individuals affected with BAG3-related conditions. ClinVar contains an entry for this variant (Variation ID: 410234). Invitae Evidence Modeling of protein sequence and biophysical properties (such as structural, functional, and spatial information, amino acid conservation, physicochemical variation, residue mobility, and thermodynamic stability) indicates that this missense variant is not expected to disrupt BAG3 protein function with a negative predictive value of 80%. In summary, the available evidence is currently insufficient to determine the role of this variant in disease. Therefore, it has been classified as a Variant of Uncertain Significance.

NM_004281.4(BAG3):c.1623T>A (p.Asn541Lys)

Gene: BAG3 (BAG cochaperone 3; plus strand). Cytogenetic location: 10q26.11.
Variant type: single nucleotide variant.
Coding change: c.1623T>A on transcript NM_004281.4 (MANE Select); coding-DNA position 1623, T replaced by A.
Protein change: p.Asn541Lys; replaces asparagine 541 with lysine.
Molecular consequence: missense variant.
Genome position (GRCh38, 1-based): chr10:119,677,177, T>A. VCF-style: chr10-119677177-T-A. GRCh37 (hg19) VCF-style: chr10-121436689-T-A.
Other names: short protein forms N541K.
Identifiers: ClinVar variation 410234 (VCV000410234.8), dbSNP rs774573497, ClinGen allele CA5716583.